The following is an entry in ClinVar:

ClinVar aggregate classification (germline): Uncertain significance (1 of 4 stars; one submission).

Conditions:
POLRMT-related disorder. Also called: POLRMT-related condition.

Submission:

PreventionGenetics, part of Exact Sciences
Classification: Uncertain significance for POLRMT-related condition. Last evaluated: 2025-06-25. Review status: criteria provided, single submitter. Criteria: ACMG Guidelines, 2015. Collection method: clinical testing. Allele origin: germline.
Comment: The POLRMT c.2725G>T variant is predicted to result in the amino acid substitution p.Asp909Tyr. To our knowledge, this variant has not been reported in the literature or in a large population database (gnomAD), indicating this variant is rare. At this time, the clinical significance of this variant is uncertain due to the absence of conclusive functional and genetic evidence.

NM_005035.4(POLRMT):c.2725G>T (p.Asp909Tyr)

Gene: POLRMT (RNA polymerase mitochondrial; minus strand). Cytogenetic location: 19p13.3.
Variant type: single nucleotide variant.
Coding change: c.2725G>T on transcript NM_005035.4 (MANE Select); coding-DNA position 2725, G replaced by T.
Protein change: p.Asp909Tyr; replaces aspartic acid 909 with tyrosine.
Molecular consequence: missense variant. On other transcripts: non-coding transcript variant (1), intron variant (1).
Genome position (GRCh38, 1-based): chr19:620,403, C>A on the plus strand (G>T on the coding strand, the complement: POLRMT is on the minus strand). VCF-style: chr19-620403-C-A. GRCh37 (hg19) VCF-style: chr19-620403-C-A.
Other names: c.2725G>T, p.Asp909Tyr (NM_001407805.1, NM_001407808.1, NM_001407812.1 and 3 more transcripts); c.2716G>T, p.Asp906Tyr (NM_001407806.1, NM_001407809.1); c.2713G>T, p.Asp905Tyr (NM_001407807.1, NM_001407810.1); c.2683G>T, p.Asp895Tyr (NM_001407811.1, NM_001407813.1); c.2500G>T, p.Asp834Tyr (NM_001407830.1, NM_001407832.1); c.2401G>T, p.Asp801Tyr (NM_001407831.1, NM_001407833.1, NM_001407835.1 and 1 more transcripts); c.2392G>T, p.Asp798Tyr (NM_001407834.1); c.2641-323G>T (NM_001407829.1); short protein forms D798Y, D801Y, D834Y, D895Y, D905Y, D906Y, D909Y.
Identifiers: ClinVar variation 3356650 (VCV003356650.2).